The following is an entry in ClinVar:

NM_012073.5(CCT5):c.1217T>C (p.Leu406Ser)

Gene: CCT5 (chaperonin containing TCP1 subunit 5; plus strand). Cytogenetic location: 5p15.2.
Variant type: single nucleotide variant.
Coding change: c.1217T>C on transcript NM_012073.5 (MANE Select); coding-DNA position 1217, T replaced by C.
Protein change: p.Leu406Ser; replaces leucine 406 with serine.
Molecular consequence: missense variant.
Genome position (GRCh38, 1-based): chr5:10,262,518, T>C. VCF-style: chr5-10262518-T-C. GRCh37 (hg19) VCF-style: chr5-10262630-T-C.
Other names: c.1154T>C, p.Leu385Ser (NM_001306153.1); c.1052T>C, p.Leu351Ser (NM_001306154.2); c.938T>C, p.Leu313Ser (NM_001306155.2); c.1103T>C, p.Leu368Ser (NM_001306156.2); short protein forms L351S, L368S, L385S, L313S, L406S.
Identifiers: ClinVar variation 2724716 (VCV002724716.3), dbSNP rs2477469603, ClinGen allele CA359185825.

ClinVar aggregate classification (germline): Uncertain significance (1 of 4 stars; one submission).

Conditions:
Hereditary sensory and autonomic neuropathy with spastic paraplegia (HSNSP). Identifiers: Orphanet 139578, MedGen C1850395, MONDO:0009748, OMIM 256840.

Submission:

Labcorp Genetics (formerly Invitae), Labcorp
Classification: Uncertain significance for Hereditary sensory and autonomic neuropathy with spastic paraplegia. Last evaluated: 2023-07-22. Review status: criteria provided, single submitter. Criteria: Invitae Variant Classification Sherloc (09022015). Collection method: clinical testing. Allele origin: germline.
Comment: This sequence change replaces leucine, which is neutral and non-polar, with serine, which is neutral and polar, at codon 406 of the CCT5 protein (p.Leu406Ser). This variant is not present in population databases (gnomAD no frequency). This variant has not been reported in the literature in individuals affected with CCT5-related conditions. Advanced modeling of protein sequence and biophysical properties (such as structural, functional, and spatial information, amino acid conservation, physicochemical variation, residue mobility, and thermodynamic stability) has been performed at Invitae for this missense variant, however the output from this modeling did not meet the statistical confidence thresholds required to predict the impact of this variant on CCT5 protein function. In summary, the available evidence is currently insufficient to determine the role of this variant in disease. Therefore, it has been classified as a Variant of Uncertain Significance.